The following is an entry in ClinVar:

NM_015466.4(PTPN23):c.3299dup (p.Ala1103fs)

Gene: PTPN23 (protein tyrosine phosphatase non-receptor type 23; plus strand). Cytogenetic location: 3p21.31.
Variant type: Duplication.
Coding change: c.3299dup on transcript NM_015466.4 (MANE Select); coding-DNA position 3299, one base duplicated (G; older notation c.3299dupG).
Protein change: p.Ala1103fs; shifts the reading frame from alanine 1103.
Molecular consequence: frameshift variant.
Genome position (GRCh38, 1-based): chr3:47,411,097, G duplicated. VCF-style (leftmost placement, unchanged base first): chr3-47411096-C-CG. GRCh37 (hg19) VCF-style: chr3-47452586-C-CG.
Other names: c.2921dup, p.Ala977fs (NM_001304482.2); short protein forms A1103fs, A977fs.
Identifiers: ClinVar variation 4082555 (VCV004082555.1).

ClinVar aggregate classification (germline): Likely pathogenic (1 of 4 stars; one submission).

Submission:

GeneDx
Classification: Likely pathogenic. Last evaluated: 2025-03-05. Review status: criteria provided, single submitter. Criteria: GeneDx Variant Classification Process June 2021. Collection method: clinical testing. Allele origin: germline. Affected: yes.
Comment: Frameshift variant predicted to result in protein truncation or nonsense mediated decay in a gene for which loss of function is a known mechanism of disease; Not observed at significant frequency in large population cohorts (gnomAD); Has not been previously published as pathogenic or benign to our knowledge